The following is an entry in ClinVar:

NM_002755.4(MAP2K1):c.154G>A (p.Ala52Thr)

Gene: MAP2K1 (mitogen-activated protein kinase kinase 1; plus strand). Cytogenetic location: 15q22.31.
Variant type: single nucleotide variant.
Coding change: c.154G>A on transcript NM_002755.4 (MANE Select); coding-DNA position 154, G replaced by A.
Protein change: p.Ala52Thr; replaces alanine 52 with threonine.
Molecular consequence: missense variant.
Genome position (GRCh38, 1-based): chr15:66,435,100, G>A. VCF-style: chr15-66435100-G-A. GRCh37 (hg19) VCF-style: chr15-66727438-G-A.
Other names: c.88G>A, p.Ala30Thr (NM_001411065.1); short protein forms A30T, A52T.
Identifiers: ClinVar variation 3066213 (VCV003066213.1), dbSNP rs2140578863, ClinGen allele CA392929181.
Genomic context (GRCh38, chr15:66,435,100, plus strand): 5'-GCCTTGCAGAAGAAGCTGGAGGAGCTAGAGCTTGATGAGCAGCAGCGAAAGCGCCTTGAG[G>A]CCTTTCTTACCCAGAAGCAGAAGGTGGGAGAACTGAAGGATGACGACTTTGAGAAGATCA-3'
Protein context (NP_002746.1, residues 42-62): LDEQQRKRLE[Ala52Thr]FLTQKQKVGE

ClinVar aggregate classification (germline): Uncertain significance (1 of 4 stars; one submission).

Conditions:
Cardiofaciocutaneous syndrome 3 (CFC3). Also called: MAP2K1-Related Cardiofaciocutaneous Syndrome. Identifiers: Orphanet 1340, MedGen C3809006, MONDO:0014113, OMIM 615279.

Allele frequency attached by ClinVar (database versions not stated): gnomAD exomes below 0.00001.

Submission:

MVZ Medizinische Genetik Mainz
Classification: Uncertain significance for Cardiofaciocutaneous syndrome 3. Last evaluated: 2024-02-27. Review status: criteria provided, single submitter. Criteria: UK Practice Guidelines For Variant Classification V4 01 2020. Collection method: clinical testing. Allele origin: germline. Inheritance: Autosomal dominant inheritance. Affected: yes. Observed: 1 variant allele.
Comment: ACMG Criteria: PM1,PM2_SUP_MOD,PP2